The following is an entry in ClinVar:

NM_001282874.2(SMARCA1):c.566G>A (p.Arg189Gln)

Gene: SMARCA1 (SNF2 related chromatin remodeling ATPase 1; minus strand). Cytogenetic location: Xq26.1.
Variant type: single nucleotide variant.
Coding change: c.566G>A on transcript NM_001282874.2 (MANE Select); coding-DNA position 566, G replaced by A.
Protein change: p.Arg189Gln; replaces arginine 189 with glutamine.
Molecular consequence: missense variant.
Genome position (GRCh38, 1-based): chrX:129,515,751, C>T on the plus strand (G>A on the coding strand, the complement: SMARCA1 is on the minus strand). VCF-style: chrX-129515751-C-T. GRCh37 (hg19) VCF-style: chrX-128649728-C-T.
Other names: c.566G>A, p.Arg189Gln (NM_001282875.2, NM_001378261.1, NM_001378262.1 and 3 more transcripts); short protein forms R189Q.
Identifiers: ClinVar variation 3901141 (VCV003901141.1).

ClinVar aggregate classification (germline): Uncertain significance (1 of 4 stars; one submission).

Conditions:
Neurodevelopmental disorder. Identifiers: MedGen C1535926, MeSH D065886, MONDO:0700092.

Submission:

Developmental Brain Disorders Lab, Seattle Children's Hospital
Classification: Uncertain significance for Neurodevelopmental disorder. Last evaluated: 2025-05-01. Review status: criteria provided, single submitter. Criteria: ACMG Guidelines, 2015. Collection method: research. Allele origin: de novo. Affected: yes.
Comment: This is a missense variant that is absent in gnomAD v4.1.0. It is predicted to have a deleterious effect through computational prediction tools. It meets ACMG variant classification criteria (PM2, PP3) (PMID:25741868)